The following is an entry in ClinVar:

ClinVar aggregate classification (germline): Conflicting classifications of pathogenicity. Review status: criteria provided, conflicting classifications (1 of 4 stars). 2 submissions from 2 submitters: Uncertain significance (1); Likely benign (1). Last evaluated 2024-02-26.

Conditions:
Fanconi anemia complementation group O. Also called: RAD51C-Related Fanconi Anemia. Identifiers: Orphanet 84, MedGen C3150653, MONDO:0013248, OMIM 613390.
Hereditary cancer-predisposing syndrome. Also called: Neoplastic Syndromes, Hereditary; Hereditary Cancer Syndrome; Hereditary neoplastic syndrome; Tumor predisposition. Identifiers: Orphanet 140162, MedGen C0027672, MeSH D009386, MONDO:0015356.

Allele frequency attached by ClinVar (database versions not stated): gnomAD exomes below 0.00001.
gnomAD v4.1: 3 of 1,613,928 alleles (0.00019%); highest among the groups gnomAD compares: East Asian, 0.0022%; no homozygotes.

Submissions (2):

Ambry Genetics
Classification: Likely benign for Hereditary cancer-predisposing syndrome. Last evaluated: 2024-02-26. Review status: criteria provided, single submitter. Criteria: Ambry Variant Classification Scheme 2023. Collection method: clinical testing. Allele origin: germline.

Labcorp Genetics (formerly Invitae), Labcorp
Classification: Uncertain significance for Fanconi anemia complementation group O. Last evaluated: 2022-03-22. Review status: criteria provided, single submitter. Criteria: Invitae Variant Classification Sherloc (09022015). Collection method: clinical testing. Allele origin: germline.
Comment: This sequence change replaces glycine, which is neutral and non-polar, with alanine, which is neutral and non-polar, at codon 77 of the RAD51C protein (p.Gly77Ala). This variant is present in population databases (no rsID available, gnomAD 0.006%). This variant has not been reported in the literature in individuals affected with RAD51C-related conditions. ClinVar contains an entry for this variant (Variation ID: 849288). Algorithms developed to predict the effect of missense changes on protein structure and function output the following: SIFT: "Tolerated"; PolyPhen-2: "Benign"; Align-GVGD: "Class C0". The alanine amino acid residue is found in multiple mammalian species, which suggests that this missense change does not adversely affect protein function. In summary, the available evidence is currently insufficient to determine the role of this variant in disease. Therefore, it has been classified as a Variant of Uncertain Significance.

NM_058216.3(RAD51C):c.230G>C (p.Gly77Ala)

Gene: RAD51C (RAD51 paralog C; plus strand). Cytogenetic location: 17q22.
Variant type: single nucleotide variant.
Coding change: c.230G>C on transcript NM_058216.3 (MANE Select); coding-DNA position 230, G replaced by C.
Protein change: p.Gly77Ala; replaces glycine 77 with alanine.
Molecular consequence: missense variant. On other transcripts: non-coding transcript variant (2).
Genome position (GRCh38, 1-based): chr17:58,695,015, G>C. VCF-style: chr17-58695015-G-C. GRCh37 (hg19) VCF-style: chr17-56772376-G-C.
Other names: c.230G>C, p.Gly77Ala (NM_002876.4); c.230G>C (NM_058216.1); short protein forms G77A.
Identifiers: ClinVar variation 849288 (VCV000849288.10), dbSNP rs1449359018, ClinGen allele CA400340221.
Genomic context (GRCh38, chr17:58,695,015, plus strand): 5'-CCTTAGAAACTCTGCAAATTATCAGAAGAGAATGTCTCACAAATAAACCAAGATATGCTG[G>C]TACATCTGAGTCACACAAGAAGTGTACAGCACTGGAACTTCTTGAGCAGGAGCATACCCA-3'
Protein context (NP_478123.1, residues 67-87): ECLTNKPRYA[Gly77Ala]TSESHKKCTA